The following is an entry in ClinVar:

ClinVar aggregate classification (germline): Uncertain significance (1 of 4 stars; one submission).

Conditions:
Walker-Warburg congenital muscular dystrophy. Also called: Muscular dystrophy-dystroglycanopathy, type A; Walker-Warburg syndrome. Identifiers: Orphanet 899, MedGen C0265221, MONDO:0000171.

Submission:

Labcorp Genetics (formerly Invitae), Labcorp
Classification: Uncertain significance for Walker-Warburg congenital muscular dystrophy. Last evaluated: 2021-05-31. Review status: criteria provided, single submitter. Criteria: Invitae Variant Classification Sherloc (09022015). Collection method: clinical testing. Allele origin: germline.
Comment: This sequence change replaces glycine with alanine at codon 226 of the FKTN protein (p.Gly226Ala). The glycine residue is moderately conserved and there is a small physicochemical difference between glycine and alanine. This variant is not present in population databases (ExAC no frequency). This variant has not been reported in the literature in individuals with FKTN-related conditions. Algorithms developed to predict the effect of missense changes on protein structure and function (SIFT, PolyPhen-2, Align-GVGD) all suggest that this variant is likely to be tolerated, but these predictions have not been confirmed by published functional studies and their clinical significance is uncertain. In summary, the available evidence is currently insufficient to determine the role of this variant in disease. Therefore, it has been classified as a Variant of Uncertain Significance.

NM_001079802.2(FKTN):c.677G>C (p.Gly226Ala)

Gene: FKTN (fukutin; plus strand). Cytogenetic location: 9q31.2.
Variant type: single nucleotide variant.
Coding change: c.677G>C on transcript NM_001079802.2 (MANE Select); coding-DNA position 677, G replaced by C.
Protein change: p.Gly226Ala; replaces glycine 226 with alanine.
Molecular consequence: missense variant. On other transcripts: non-coding transcript variant (2).
Genome position (GRCh38, 1-based): chr9:105,607,848, G>C. VCF-style: chr9-105607848-G-C. GRCh37 (hg19) VCF-style: chr9-108370129-G-C.
Other names: c.677G>C, p.Gly226Ala (NM_001198963.2, NM_001351496.2, NM_001351498.2 and 1 more transcripts); c.608G>C, p.Gly203Ala (NM_001351497.2); c.281G>C, p.Gly94Ala (NM_001351499.2, NM_001351500.2, NM_001351501.2 and 1 more transcripts); short protein forms G203A, G226A, G94A.
Identifiers: ClinVar variation 1495179 (VCV001495179.8), dbSNP rs2132899059, ClinGen allele CA374332521.
Genomic context (GRCh38, chr9:105,607,848, plus strand): 5'-CTCATTAATAAATCTTAACTTTTGTTTTCAGGCCAGAGTTACAGCAAGTTACTGTTGATG[G>C]ACTGGAAGTTCTCATTCCAAAGGATCCAATGCACTTTGTAGAAGAAGTACCACACTCTAG-3'
Protein context (NP_001073270.1, residues 216-236): RPELQQVTVD[Gly226Ala]LEVLIPKDPM